The following is an entry in ClinVar:

ClinVar aggregate classification (germline): Uncertain significance (1 of 4 stars; one submission).

Conditions:
Hereditary sensory and autonomic neuropathy type 6. Also called: Neuropathy, hereditary sensory and autonomic, type VI; HSAN VI. Identifiers: Orphanet 314381, MedGen C3539003, MONDO:0013839, OMIM 614653.
Epidermolysis bullosa simplex 3, localized or generalized intermediate, with BP230 deficiency (EBS3). Also called: Epidermolysis bullosa simplex due to BP230 deficiency; Epidermolysis bullosa simplex, autosomal recessive 2. Identifiers: Orphanet 412181, MedGen C3809470, MONDO:0014180, OMIM 615425.

Allele frequency attached by ClinVar (database versions not stated): gnomAD 0.00001; gnomAD exomes 0.00002; ExAC 0.00006.
gnomAD v4.1: 33 of 1,613,194 alleles (0.002%); highest among the groups gnomAD compares: South Asian, 0.03%; no homozygotes.

Submission:

Labcorp Genetics (formerly Invitae), Labcorp
Classification: Uncertain significance for Epidermolysis bullosa simplex 3, localized or generalized intermediate, with BP230 deficiency; Hereditary sensory and autonomic neuropathy type 6. Last evaluated: 2022-04-07. Review status: criteria provided, single submitter. Criteria: Invitae Variant Classification Sherloc (09022015). Collection method: clinical testing. Allele origin: germline.
Comment: The DST gene has multiple clinically relevant transcripts. This variant occurs in alternate transcript NM_015548.4, and corresponds to NM_001723.5:c.*123290G>A in the primary transcript. This sequence change affects codon 4296 of the DST mRNA. It is a 'silent' change, meaning that it does not change the encoded amino acid sequence of the DST protein. This variant also falls at the last nucleotide of exon 66, which is part of the consensus splice site for this exon. This variant is present in population databases (rs749497775, gnomAD 0.04%). This variant has not been reported in the literature in individuals affected with DST-related conditions. Variants that disrupt the consensus splice site are a relatively common cause of aberrant splicing (PMID: 17576681, 9536098). Experimental studies and prediction algorithms are not available or were not evaluated, and the effect of this variant on mRNA splicing is currently unknown. In summary, the available evidence is currently insufficient to determine the role of this variant in disease. Therefore, it has been classified as a Variant of Uncertain Significance.

Literature cited by the submitters: PubMed 17576681; PubMed 9536098.

NM_001374736.1(DST):c.20757G>A (p.Gln6919=)

Gene: DST (dystonin; minus strand). Cytogenetic location: 6p12.1.
Variant type: single nucleotide variant.
Coding change: c.20757G>A on transcript NM_001374736.1 (MANE Select); coding-DNA position 20757, G replaced by A.
Protein change: p.Gln6919=; no amino-acid change (glutamine 6919 retained).
Molecular consequence: synonymous variant.
Genome position (GRCh38, 1-based): chr6:56,492,227, C>T on the plus strand (G>A on the coding strand, the complement: DST is on the minus strand). VCF-style: chr6-56492227-C-T. GRCh37 (hg19) VCF-style: chr6-56357025-C-T.
Other names: c.14400G>A, p.Gln4800= (NM_001144769.5); c.13986G>A, p.Gln4662= (NM_001144770.2); c.20757G>A, p.Gln6919= (NM_001374722.1); c.19797G>A, p.Gln6599= (NM_001374729.1); c.13539G>A, p.Gln4513= (NM_001374730.1); c.20784G>A, p.Gln6928= (NM_001374734.1); c.13866G>A, p.Gln4622= (NM_001386100.1, NM_183380.4); c.12888G>A, p.Gln4296= (NM_015548.5).
Identifiers: ClinVar variation 2150163 (VCV002150163.1), dbSNP rs749497775, ClinGen allele CA3866685.